The following is an entry in ClinVar:

ClinVar aggregate classification (germline): Uncertain significance (1 of 4 stars; one submission).

Conditions:
Hereditary sensory and autonomic neuropathy type 6. Also called: Neuropathy, hereditary sensory and autonomic, type VI; HSAN VI. Identifiers: Orphanet 314381, MedGen C3539003, MONDO:0013839, OMIM 614653.
Epidermolysis bullosa simplex 3, localized or generalized intermediate, with BP230 deficiency (EBS3). Also called: Epidermolysis bullosa simplex due to BP230 deficiency; Epidermolysis bullosa simplex, autosomal recessive 2. Identifiers: Orphanet 412181, MedGen C3809470, MONDO:0014180, OMIM 615425.

Allele frequency attached by ClinVar (database versions not stated): gnomAD exomes below 0.00001.
gnomAD v4.1: 2 of 1,613,470 alleles (0.00012%); highest among the groups gnomAD compares: Admixed American, 0.0017%; no homozygotes.

Submission:

Labcorp Genetics (formerly Invitae), Labcorp
Classification: Uncertain significance for Epidermolysis bullosa simplex 3, localized or generalized intermediate, with BP230 deficiency; Hereditary sensory and autonomic neuropathy type 6. Last evaluated: 2023-11-27. Review status: criteria provided, single submitter. Criteria: Invitae Variant Classification Sherloc (09022015). Collection method: clinical testing. Allele origin: germline.
Comment: This sequence change replaces aspartic acid, which is acidic and polar, with glycine, which is neutral and non-polar, at codon 661 of the DST protein (p.Asp661Gly). This variant is present in population databases (no rsID available, gnomAD 0.003%). This variant has not been reported in the literature in individuals affected with DST-related conditions. ClinVar contains an entry for this variant (Variation ID: 2076473). An algorithm developed to predict the effect of missense changes on protein structure and function (PolyPhen-2) suggests that this variant is likely to be tolerated. In summary, the available evidence is currently insufficient to determine the role of this variant in disease. Therefore, it has been classified as a Variant of Uncertain Significance.

NM_001374736.1(DST):c.3593A>G (p.Asp1198Gly)

Gene: DST (dystonin; minus strand). Cytogenetic location: 6p12.1.
Variant type: single nucleotide variant.
Coding change: c.3593A>G on transcript NM_001374736.1 (MANE Select); coding-DNA position 3593, A replaced by G.
Protein change: p.Asp1198Gly; replaces aspartic acid 1198 with glycine.
Molecular consequence: missense variant.
Genome position (GRCh38, 1-based): chr6:56,634,160, T>C on the plus strand (A>G on the coding strand, the complement: DST is on the minus strand). VCF-style: chr6-56634160-T-C. GRCh37 (hg19) VCF-style: chr6-56498958-T-C.
Other names: c.3494A>G, p.Asp1165Gly (NM_001144769.5); c.3080A>G, p.Asp1027Gly (NM_001144770.2); c.3593A>G, p.Asp1198Gly (NM_001374722.1); c.2960A>G, p.Asp987Gly (NM_001374729.1, NM_001374730.1, NM_001386100.1 and 1 more transcripts); c.3620A>G, p.Asp1207Gly (NM_001374734.1); c.1982A>G, p.Asp661Gly (NM_001723.7, NM_015548.5); short protein forms D1027G, D1198G, D661G, D1207G, D1165G, D987G.
Identifiers: ClinVar variation 2076473 (VCV002076473.4), dbSNP rs1190343054, ClinGen allele CA364575584.
Genomic context (GRCh38, chr6:56,634,160, plus strand): 5'-CATATCGAGTTGACATACAGATTCATACTTACTGAAGCCACATTGCTAGCTCGAATTCTA[T>C]CAATTTCATTGATGAGATAATGCCAGGATACTACACTCTTCATGTTTATGTGAGACTCAT-3'
Protein context (NP_001361665.1, residues 1188-1208): VSWHYLINEI[Asp1198Gly]RIRASNVASI